The following is an entry in ClinVar:

NM_005546.4(ITK):c.307G>A (p.Val103Met)

Gene: ITK (IL2 inducible T cell kinase; plus strand). Cytogenetic location: 5q33.3.
Variant type: single nucleotide variant.
Coding change: c.307G>A on transcript NM_005546.4 (MANE Select); coding-DNA position 307, G replaced by A.
Protein change: p.Val103Met; replaces valine 103 with methionine.
Molecular consequence: missense variant.
Genome position (GRCh38, 1-based): chr5:157,211,350, G>A. VCF-style: chr5-157211350-G-A. GRCh37 (hg19) VCF-style: chr5-156638361-G-A.
Other names: p.Val103Met; c.307G>A (NM_005546.3); short protein forms V103M.
Identifiers: ClinVar variation 1404585 (VCV001404585.7), dbSNP rs778856924, ClinGen allele CA3532698.

ClinVar aggregate classification (germline): Uncertain significance. Review status: criteria provided, multiple submitters, no conflicts (2 of 4 stars). 2 submissions from 2 submitters: Uncertain significance (2). Last evaluated 2024-03-06.

Conditions:
Lymphoproliferative syndrome 1 (LPFS1). Identifiers: Orphanet 238505, Orphanet 538963, MedGen C3552634, MONDO:0013081, OMIM 613011.

Allele frequency attached by ClinVar (database versions not stated): TOPMed below 0.00001; gnomAD 0.00001; gnomAD exomes 0.00001 and 0.00004; ExAC 0.00002.
gnomAD v4.1: 17 of 1,613,774 alleles (0.0011%); highest among the groups gnomAD compares: Admixed American, 0.015%; no homozygotes.

Submissions (2):

Mayo Clinic Laboratories, Mayo Clinic
Classification: Uncertain significance. Last evaluated: 2024-03-06. Review status: criteria provided, single submitter. Criteria: ACMG Guidelines, 2015. Collection method: clinical testing. Allele origin: germline. Observed: 1 variant allele.

Labcorp Genetics (formerly Invitae), Labcorp
Classification: Uncertain significance for Lymphoproliferative syndrome 1. Last evaluated: 2023-12-18. Review status: criteria provided, single submitter. Criteria: Invitae Variant Classification Sherloc (09022015). Collection method: clinical testing. Allele origin: germline.
Comment: This sequence change replaces valine, which is neutral and non-polar, with methionine, which is neutral and non-polar, at codon 103 of the ITK protein (p.Val103Met). This variant is present in population databases (rs778856924, gnomAD 0.02%). This variant has not been reported in the literature in individuals affected with ITK-related conditions. ClinVar contains an entry for this variant (Variation ID: 1404585). Advanced modeling of protein sequence and biophysical properties (such as structural, functional, and spatial information, amino acid conservation, physicochemical variation, residue mobility, and thermodynamic stability) performed at Invitae indicates that this missense variant is not expected to disrupt ITK protein function with a negative predictive value of 80%. In summary, the available evidence is currently insufficient to determine the role of this variant in disease. Therefore, it has been classified as a Variant of Uncertain Significance.